The following is an entry in ClinVar:

NM_024105.4(ALG12):c.968C>T (p.Thr323Met)

Gene: ALG12 (ALG12 alpha-1,6-mannosyltransferase; minus strand). Cytogenetic location: 22q13.33.
Variant type: single nucleotide variant.
Coding change: c.968C>T on transcript NM_024105.4 (MANE Select); coding-DNA position 968, C replaced by T.
Protein change: p.Thr323Met; replaces threonine 323 with methionine.
Molecular consequence: missense variant.
Genome position (GRCh38, 1-based): chr22:49,907,745, G>A on the plus strand (C>T on the coding strand, the complement: ALG12 is on the minus strand). VCF-style: chr22-49907745-G-A. GRCh37 (hg19) VCF-style: chr22-50301393-G-A.
Other names: c.968C>T (NM_024105.3); short protein forms T323M.
Identifiers: ClinVar variation 1419361 (VCV001419361.11), dbSNP rs754936149, ClinGen allele CA10300393.

ClinVar aggregate classification (germline): Uncertain significance. Review status: criteria provided, multiple submitters, no conflicts (2 of 4 stars). 3 submissions from 3 submitters: Uncertain significance (2). 1 of the submissions does not count toward it. Last evaluated 2025-04-02.

Conditions:
ALG12-related disorder. Also called: ALG12-related condition.
Inborn genetic diseases. Identifiers: MedGen C0950123, MeSH D030342.
ALG12-congenital disorder of glycosylation (CDG1G). Also called: CDG Ig; Congenital disorder of glycosylation, type Ig; ALG12-CDG. Identifiers: Orphanet 79324, MedGen C2931001, MONDO:0011783, OMIM 607143.

Allele frequency attached by ClinVar (database versions not stated): TOPMed below 0.00001; gnomAD 0.00001; gnomAD exomes 0.00001 and 0.00002; ExAC 0.00002.

Submissions (3):

Ambry Genetics
Classification: Uncertain significance for Inborn genetic diseases. Last evaluated: 2025-04-02. Review status: criteria provided, single submitter. Criteria: Ambry Variant Classification Scheme 2023. Collection method: clinical testing. Allele origin: germline.

Labcorp Genetics (formerly Invitae), Labcorp
Classification: Uncertain significance for ALG12-congenital disorder of glycosylation. Last evaluated: 2022-04-28. Review status: criteria provided, single submitter. Criteria: Invitae Variant Classification Sherloc (09022015). Collection method: clinical testing. Allele origin: germline.
Comment: In summary, the available evidence is currently insufficient to determine the role of this variant in disease. Therefore, it has been classified as a Variant of Uncertain Significance. Algorithms developed to predict the effect of missense changes on protein structure and function output the following: SIFT: "Tolerated"; PolyPhen-2: "Benign"; Align-GVGD: "Class C0". The methionine amino acid residue is found in multiple mammalian species, which suggests that this missense change does not adversely affect protein function. This variant has not been reported in the literature in individuals affected with ALG12-related conditions. This variant is present in population databases (rs754936149, gnomAD 0.009%). This sequence change replaces threonine, which is neutral and polar, with methionine, which is neutral and non-polar, at codon 323 of the ALG12 protein (p.Thr323Met).

PreventionGenetics, part of Exact Sciences
Classification: Uncertain significance for ALG12-related condition. Last evaluated: 2024-02-02. Review status: no assertion criteria provided. Collection method: clinical testing. Allele origin: germline. Not counted in ClinVar's aggregate classification.
Comment: The ALG12 c.968C>T variant is predicted to result in the amino acid substitution p.Thr323Met. To our knowledge, this variant has not been reported in the literature. This variant is reported in 0.0093% of alleles in individuals of European (Finnish) descent in gnomAD. At this time, the clinical significance of this variant is uncertain due to the absence of conclusive functional and genetic evidence.